The following is an entry in ClinVar:

NM_002474.3(MYH11):c.3501G>A (p.Glu1167=)

Gene: MYH11 (myosin heavy chain 11; minus strand). Cytogenetic location: 16p13.11.
Variant type: single nucleotide variant.
Coding change: c.3501G>A on transcript NM_002474.3 (MANE Select); coding-DNA position 3501, G replaced by A.
Protein change: p.Glu1167=; no amino-acid change (glutamic acid 1167 retained).
Molecular consequence: synonymous variant.
Genome position (GRCh38, 1-based): chr16:15,735,371, C>T on the plus strand (G>A on the coding strand, the complement: MYH11 is on the minus strand). VCF-style: chr16-15735371-C-T. GRCh37 (hg19) VCF-style: chr16-15829228-C-T.
Other names: c.3522G>A, p.Glu1174= (NM_001040113.2, NM_001040114.2); c.3501G>A, p.Glu1167= (NM_022844.3); c.3501G>A (NM_002474.2).
Identifiers: ClinVar variation 3730502 (VCV003730502.6).
Genomic context (GRCh38, chr16:15,735,371, plus strand): 5'-CCCATCCCATTGGTGCAGTGGGATAGCAGGATGGTGGGATTGATGGGCCCCTCACCTGAG[C>T]TCCTGCTGAGTGGCTGTGCTGTCCAGTGTGTCTTCCAGCTCTGTCTTTAGGGCCTCCAGC-3'
Protein context (NP_002465.1, residues 1157-1177): DTLDSTATQQ[Glu1167=]LRAKREQEVT

ClinVar aggregate classification (germline): Likely benign. Review status: criteria provided, multiple submitters, no conflicts (2 of 4 stars). 5 submissions from 5 submitters: Likely benign (5). Last evaluated 2026-05-14.

Conditions:
Familial thoracic aortic aneurysm and aortic dissection (TAAD). Also called: Thoracic aortic aneurysms and dissections. Identifiers: Orphanet 91387, MedGen C4707243, MONDO:0019625.
Aortic aneurysm, familial thoracic 4 (AAT4). Also called: AORTIC ANEURYSM/AORTIC DISSECTION AND PATENT DUCTUS ARTERIOSUS. Identifiers: MedGen C1851504, MONDO:0007568, OMIM 132900.

gnomAD v4.1: 22 of 1,613,618 alleles (0.0014%); highest among the groups gnomAD compares: Non-Finnish European, 0.0019%; no homozygotes.

Submissions (5):

Ambry Genetics
Classification: Likely benign for Familial thoracic aortic aneurysm and aortic dissection. Last evaluated: 2026-05-14. Review status: criteria provided, single submitter. Criteria: Ambry Variant Classification Scheme 2023. Collection method: clinical testing. Allele origin: germline.

Molecular Diagnostic Laboratory for Inherited Cardiovascular Disease, Montreal Heart Institute
Classification: Likely benign. Last evaluated: 2026-03-27. Review status: criteria provided, single submitter. Criteria: ACMG Guidelines, 2015. Collection method: clinical testing. Allele origin: germline. Affected: no.
Comment: BS1;BP7

Color Diagnostics, LLC DBA Color Health
Classification: Likely benign for Familial thoracic aortic aneurysm and aortic dissection. Last evaluated: 2025-06-23. Review status: criteria provided, single submitter. Criteria: ACMG Guidelines, 2015. Collection method: clinical testing. Allele origin: germline.

Labcorp Genetics (formerly Invitae), Labcorp
Classification: Likely benign for Aortic aneurysm, familial thoracic 4. Last evaluated: 2024-11-14. Review status: criteria provided, single submitter. Criteria: Invitae Variant Classification Sherloc (09022015). Collection method: clinical testing. Allele origin: germline.

Blueprint Genetics
Classification: Likely benign. Last evaluated: 2019-11-18. Review status: criteria provided, single submitter. Criteria: ACMG Guidelines, 2015. Collection method: clinical testing. Allele origin: germline.